The following is an entry in ClinVar:

ClinVar aggregate classification (germline): Uncertain significance (1 of 4 stars; one submission).

Conditions:
Congenital myopathy with internal nuclei and atypical cores. Also called: Myopathy, centronuclear, 4. Identifiers: Orphanet 319160, MedGen C4707232, MONDO:0013890, OMIM 614807.

Allele frequency attached by ClinVar (database versions not stated): gnomAD 0.00001; gnomAD exomes 0.00002; ExAC 0.00013.

Submission:

Labcorp Genetics (formerly Invitae), Labcorp
Classification: Uncertain significance for Congenital myopathy with internal nuclei and atypical cores. Last evaluated: 2024-02-20. Review status: criteria provided, single submitter. Criteria: Invitae Variant Classification Sherloc (09022015). Collection method: clinical testing. Allele origin: germline.
Comment: This sequence change affects the initiator methionine of the CCDC78 mRNA. The next in-frame methionine is located at codon 152. This variant is present in population databases (rs768740042, gnomAD 0.01%). This variant has not been reported in the literature in individuals affected with CCDC78-related conditions. ClinVar contains an entry for this variant (Variation ID: 1414845). Experimental studies and prediction algorithms are not available or were not evaluated, and the functional significance of this variant is currently unknown. In summary, the available evidence is currently insufficient to determine the role of this variant in disease. Therefore, it has been classified as a Variant of Uncertain Significance.

NM_001378030.1(CCDC78):c.1A>G (p.Met1Val)

Gene: CCDC78 (coiled-coil domain containing 78; minus strand). Cytogenetic location: 16p13.3.
Variant type: single nucleotide variant.
Coding change: c.1A>G on transcript NM_001378030.1 (MANE Select); coding-DNA position 1, A replaced by G.
Protein change: p.Met1Val; changes the start codon (methionine 1).
Molecular consequence: missense variant, initiator codon variant. On other transcripts: non-coding transcript variant (3), intron variant (1).
Genome position (GRCh38, 1-based): chr16:726,367, T>C on the plus strand (A>G on the coding strand, the complement: CCDC78 is on the minus strand). VCF-style: chr16-726367-T-C. GRCh37 (hg19) VCF-style: chr16-776367-T-C.
Other names: c.1A>G, p.Met1Val (NM_001031737.3, NM_001378031.1); c.-225-282A>G (NM_001378033.1); short protein forms M1V.
Identifiers: ClinVar variation 1414845 (VCV001414845.5), dbSNP rs768740042, ClinGen allele CA7789783.